The following is an entry in ClinVar:

ClinVar aggregate classification (germline): Uncertain significance (1 of 4 stars; one submission).

Conditions:
Early-infantile DEE. Also called: Early infantile epileptic encephalopathy; Early infantile epileptic encephalopathy with suppression bursts; Ohtahara syndrome. Identifiers: Orphanet 1934, MedGen C0393706, MONDO:0800491.

Submission:

Labcorp Genetics (formerly Invitae), Labcorp
Classification: Uncertain significance for Early-infantile DEE. Last evaluated: 2022-08-21. Review status: criteria provided, single submitter. Criteria: Invitae Variant Classification Sherloc (09022015). Collection method: clinical testing. Allele origin: germline.
Comment: This variant, c.454_456dup, results in the insertion of 1 amino acid(s) of the ARHGEF15 protein (p.Arg152dup), but otherwise preserves the integrity of the reading frame. This variant is not present in population databases (gnomAD no frequency). This variant has not been reported in the literature in individuals affected with ARHGEF15-related conditions. In summary, the available evidence is currently insufficient to determine the role of this variant in disease. Therefore, it has been classified as a Variant of Uncertain Significance.

NM_173728.4(ARHGEF15):c.454_456dup (p.Arg152_Leu153insArg)

Gene: ARHGEF15 (Rho guanine nucleotide exchange factor 15; plus strand). Cytogenetic location: 17p13.1.
Variant type: Duplication.
Coding change: c.454_456dup on transcript NM_173728.4 (MANE Select); coding-DNA positions 454 to 456, 3 bases duplicated (AGG; older notation c.454_456dupAGG).
Protein change: p.Arg152_Leu153insArg.
Molecular consequence: inframe insertion.
Genome position (GRCh38, 1-based): chr17:8,312,493-8,312,495, AGG duplicated; duplicating any 3 consecutive bases within chr17:8,312,491-8,312,495 gives the same sequence; the c. name uses the placement nearest the transcript's 3' end. VCF-style (leftmost placement, unchanged base first): chr17-8312490-C-CGGA. GRCh37 (hg19) VCF-style: chr17-8215808-C-CGGA.
Other names: c.454_456dup, p.Arg152_Leu153insArg (NM_025014.2).
Identifiers: ClinVar variation 2148125 (VCV002148125.4), dbSNP rs1904706905, ClinGen allele CA913014602.
Genomic context (GRCh38, chr17:8,312,490, plus strand): 5'-CTGCTCCCCATGGCTGGAGTCCTGGCTCAGAATGGCTCTGCCTCAGCTCCTGGCACTGTG[C>CGGA]GGAGGCTGGCTGGCAGGTTTGAAGGGGGTGCTGAAGGCCGGGCTCAGGATGCAGATGCCC-3'